The following is an entry in ClinVar:

ClinVar aggregate classification (germline): Benign. Review status: criteria provided, multiple submitters, no conflicts (2 of 4 stars). 3 submissions from 3 submitters: Benign (2). 1 of the submissions does not count toward it. Last evaluated 2019-12-31.

Conditions:
HDAC6-related disorder. Also called: HDAC6-related condition.

Allele frequency attached by ClinVar (database versions not stated): gnomAD exomes 0.00057 and 0.00136; ExAC 0.00366; 1000 Genomes Project 0.00450; 1000 Genomes Project 30x 0.00541; gnomAD 0.00566 and 0.00621; TOPMed 0.00679; ESP Exome Variant Server 0.00715.
gnomAD v4.1: 1,275 of 1,169,544 alleles (0.11%); highest among the groups gnomAD compares: African/African-American, 2%; 7 homozygotes.

Submissions (3):

Labcorp Genetics (formerly Invitae), Labcorp
Classification: Benign. Last evaluated: 2019-12-31. Review status: criteria provided, single submitter. Criteria: Invitae Variant Classification Sherloc (09022015). Collection method: clinical testing. Allele origin: germline.

Breakthrough Genomics
Classification: Benign. Review status: criteria provided, single submitter. Criteria: ACMG Guidelines, 2015. Collection method: not provided. Allele origin: germline. Inheritance: X-linked inheritance. Affected: yes.

PreventionGenetics, part of Exact Sciences
Classification: Benign for HDAC6-related condition. Last evaluated: 2020-07-06. Review status: no assertion criteria provided. Collection method: clinical testing. Allele origin: germline. Not counted in ClinVar's aggregate classification.
Comment: This variant is classified as benign based on ACMG/AMP sequence variant interpretation guidelines (Richards et al. 2015 PMID: 25741868, with internal and published modifications).

NM_006044.4(HDAC6):c.432T>C (p.Val144=)

Gene: HDAC6 (histone deacetylase 6; plus strand). Cytogenetic location: Xp11.23.
Variant type: single nucleotide variant.
Coding change: c.432T>C on transcript NM_006044.4 (MANE Select); coding-DNA position 432, T replaced by C.
Protein change: p.Val144=; no amino-acid change (valine 144 retained).
Molecular consequence: synonymous variant. On other transcripts: non-coding transcript variant (3).
Genome position (GRCh38, 1-based): chrX:48,805,666, T>C. VCF-style: chrX-48805666-T-C. GRCh37 (hg19) VCF-style: chrX-48664073-T-C.
Other names: c.474T>C, p.Val158= (NM_001321225.2); c.432T>C, p.Val144= (NM_001321226.2, NM_001321227.2, NM_001321228.2 and 3 more transcripts).
Identifiers: ClinVar variation 731665 (VCV000731665.7), dbSNP rs143689285, ClinGen allele CA10404845.